The following is an entry in ClinVar:

ClinVar aggregate classification (germline): Uncertain significance (1 of 4 stars; one submission).

Allele frequency attached by ClinVar (database versions not stated): TOPMed below 0.00001; gnomAD exomes 0.00001; ESP Exome Variant Server 0.00008.
gnomAD v4.1: 9 of 1,614,066 alleles (0.00056%); highest among the groups gnomAD compares: Non-Finnish European, 0.00076%; no homozygotes.

Submission:

Labcorp Genetics (formerly Invitae), Labcorp
Classification: Uncertain significance. Last evaluated: 2022-01-28. Review status: criteria provided, single submitter. Criteria: Invitae Variant Classification Sherloc (09022015). Collection method: clinical testing. Allele origin: germline.
Comment: This variant is not present in population databases (gnomAD no frequency). This sequence change replaces arginine, which is basic and polar, with threonine, which is neutral and polar, at codon 718 of the RBBP8 protein (p.Arg718Thr). This variant has not been reported in the literature in individuals affected with RBBP8-related conditions. In summary, the available evidence is currently insufficient to determine the role of this variant in disease. Therefore, it has been classified as a Variant of Uncertain Significance. Algorithms developed to predict the effect of missense changes on protein structure and function (SIFT, PolyPhen-2, Align-GVGD) all suggest that this variant is likely to be tolerated.

NM_002894.3(RBBP8):c.2153G>C (p.Arg718Thr)

Gene: RBBP8 (RB binding protein 8, endonuclease; plus strand). Cytogenetic location: 18q11.2.
Variant type: single nucleotide variant.
Coding change: c.2153G>C on transcript NM_002894.3 (MANE Select); coding-DNA position 2153, G replaced by C.
Protein change: p.Arg718Thr; replaces arginine 718 with threonine.
Molecular consequence: missense variant.
Genome position (GRCh38, 1-based): chr18:23,001,595, G>C. VCF-style: chr18-23001595-G-C. GRCh37 (hg19) VCF-style: chr18-20581558-G-C.
Other names: c.2153G>C, p.Arg718Thr (NM_203291.2, NM_203292.2); short protein forms R718T.
Identifiers: ClinVar variation 1986246 (VCV001986246.4), dbSNP rs375698719, ClinGen allele CA297056511.